The following is an entry in ClinVar:

ClinVar aggregate classification (germline): Likely pathogenic. Review status: criteria provided, multiple submitters, no conflicts (2 of 4 stars). 2 submissions from 2 submitters: Likely pathogenic (2). Last evaluated 2024-05-01.

Conditions:
Polyglandular autoimmune syndrome, type 1 (APS1). Also called: Whitaker syndrome; AUTOIMMUNE POLYENDOCRINE SYNDROME, TYPE I, WITH OR WITHOUT REVERSIBLE METAPHYSEAL DYSPLASIA; APS I; Autoimmune polyendocrinopathy syndrome, type I; Autoimmune polyendocrinopathy syndrome , type I, with or without reversible metaphyseal dysplasia; PGA I. Identifiers: Orphanet 3453, MedGen C0085859, MONDO:0009411, OMIM 240300.

Submissions (2):

Natera, Inc.
Classification: Likely pathogenic for Polyglandular autoimmune syndrome type 1. Last evaluated: 2024-05-01. Review status: criteria provided, single submitter. Criteria: Natera Variant Classification Schema (03/2026). Collection method: clinical testing. Allele origin: germline.
Comment: The c.1503+1G>A variant in AIRE is a canonical splice donor site variant predicted to affect pre-mRNA splicing, which may result in an abnormal transcript and altered protein product. This variant is expected to result in nonsense mediated decay, truncation, or a dysfunctional protein product. This variant is rare in the general population with a frequency below the threshold expected for the associated phenotype(s). Given the available evidence, this variant is classified as Likely Pathogenic.

Labcorp Genetics (formerly Invitae), Labcorp
Classification: Likely pathogenic for Polyglandular autoimmune syndrome, type 1. Last evaluated: 2022-03-19. Review status: criteria provided, single submitter. Criteria: Invitae Variant Classification Sherloc (09022015). Collection method: clinical testing. Allele origin: germline.
Comment: Algorithms developed to predict the effect of sequence changes on RNA splicing suggest that this variant may disrupt the consensus splice site. In summary, the currently available evidence indicates that the variant is pathogenic, but additional data are needed to prove that conclusively. Therefore, this variant has been classified as Likely Pathogenic. This variant has not been reported in the literature in individuals affected with AIRE-related conditions. This variant is not present in population databases (gnomAD no frequency). This sequence change affects a donor splice site in intron 12 of the AIRE gene. It is expected to disrupt RNA splicing. Variants that disrupt the donor or acceptor splice site typically lead to a loss of protein function (PMID: 16199547), and loss-of-function variants in AIRE are known to be pathogenic (PMID: 11524731, 26141571).

Literature cited by the submitters: PubMed 16199547 (cited by Labcorp Genetics (formerly Invitae), Labcorp); PubMed 11524731 (cited by Labcorp Genetics (formerly Invitae), Labcorp); PubMed 26141571 (cited by Labcorp Genetics (formerly Invitae), Labcorp).

NM_000383.4(AIRE):c.1503+1G>A

Gene: AIRE (autoimmune regulator; plus strand). Cytogenetic location: 21q22.3.
Variant type: single nucleotide variant.
Coding change: c.1503+1G>A on transcript NM_000383.4 (MANE Select); the canonical splice donor site of the intron after coding-DNA position 1503, G replaced by A.
Molecular consequence: splice donor variant.
Genome position (GRCh38, 1-based): chr21:44,294,504, G>A. VCF-style: chr21-44294504-G-A. GRCh37 (hg19) VCF-style: chr21-45714387-G-A.
Other names: c.1503+1G>A (NM_000383.3).
Identifiers: ClinVar variation 2086804 (VCV002086804.5), dbSNP rs1156582406, ClinGen allele CA410426043.